The following is an entry in ClinVar:

ClinVar aggregate classification (germline): Conflicting classifications of pathogenicity. Review status: criteria provided, conflicting classifications (1 of 4 stars). 2 submissions from 2 submitters: Likely pathogenic (1); Uncertain significance (1). Last evaluated 2020-12-30.

Conditions:
Niemann-Pick disease, type A. Also called: Infantile Neurovisceral ASMD (Niemann-Pick Disease Type A; NPD-A); SPHINGOMYELIN LIPIDOSIS; SPHINGOMYELINASE DEFICIENCY. Identifiers: Orphanet 77292, MedGen C0268242, MONDO:0009756, OMIM 257200. Disease mechanism: loss of function.
Niemann-Pick disease, type B. Also called: Chronic Visceral ASMD (Niemann-Pick Disease Type B; NPD-B). Identifiers: Orphanet 77293, MedGen C0268243, MONDO:0011871, OMIM 607616. Disease mechanism: loss of function.

Allele frequency attached by ClinVar (database versions not stated): TOPMed below 0.00001; gnomAD 0.00001.
gnomAD v4.1: 1 of 1,613,894 alleles (0.000062%); highest among the groups gnomAD compares: East Asian, 0.0022%; no homozygotes.

Submissions (2):

Huiwen Zhang's lab, Shanghai Jiao Tong University School of Medicine, Xinhua Hospital
Classification: Likely pathogenic for Niemann-Pick disease, type A; Niemann-Pick disease, type B. Last evaluated: 2020-12-30. Review status: criteria provided, single submitter. Criteria: ACMG Guidelines, 2015. Collection method: clinical testing. Allele origin: inherited. Affected: yes.

Labcorp Genetics (formerly Invitae), Labcorp
Classification: Uncertain significance for Niemann-Pick disease, type B; Niemann-Pick disease, type A. Last evaluated: 2018-06-05. Review status: criteria provided, single submitter. Criteria: Invitae Variant Classification Sherloc (09022015). Collection method: clinical testing. Allele origin: germline.
Comment: In summary, the available evidence is currently insufficient to determine the role of this variant in disease. Therefore, it has been classified as a Variant of Uncertain Significance. Algorithms developed to predict the effect of missense changes on protein structure and function are either unavailable or do not agree on the potential impact of this missense change (SIFT: "Deleterious"; PolyPhen-2: "Probably Damaging"; Align-GVGD: "Class C0"). This variant has not been reported in the literature in individuals with SMPD1-related disease. This variant is not present in population databases (ExAC no frequency). This sequence change replaces proline with arginine at codon 401 of the SMPD1 protein (p.Pro401Arg). The proline residue is highly conserved and there is a moderate physicochemical difference between proline and arginine.

NM_000543.5(SMPD1):c.1202C>G (p.Pro401Arg)

Gene: SMPD1 (sphingomyelin phosphodiesterase 1; plus strand). Cytogenetic location: 11p15.4.
Variant type: single nucleotide variant.
Coding change: c.1202C>G on transcript NM_000543.5 (MANE Select); coding-DNA position 1202, C replaced by G.
Protein change: p.Pro401Arg; replaces proline 401 with arginine.
Molecular consequence: missense variant. On other transcripts: non-coding transcript variant (1), intron variant (1).
Genome position (GRCh38, 1-based): chr11:6,393,326, C>G. VCF-style: chr11-6393326-C-G. GRCh37 (hg19) VCF-style: chr11-6414556-C-G.
Other names: c.1199C>G, p.Pro400Arg (NM_001007593.3); c.1202C>G, p.Pro401Arg (NM_001318087.2); c.281C>G, p.Pro94Arg (NM_001318088.2); c.1132-291C>G (NM_001365135.2); short protein forms P400R, P401R, P94R.
Identifiers: ClinVar variation 992701 (VCV000992701.11), dbSNP rs1206562843, ClinGen allele CA379373491.
Genomic context (GRCh38, chr11:6,393,326, plus strand): 5'-CTCTCAATATGAATTTTTGTTCCCGTGAGAACTTCTGGCTCTTGATCAACTCCACGGATC[C>G]CGCAGGACAGCTCCAGTGGCTGGTGGGGGAGCTTCAGGCTGCTGAGGATCGAGGAGACAA-3'
Protein context (NP_000534.3, residues 391-411): NFWLLINSTD[Pro401Arg]AGQLQWLVGE